The following is an entry in ClinVar:

ClinVar aggregate classification (germline): Pathogenic/Likely pathogenic. Review status: criteria provided, multiple submitters, no conflicts (2 of 4 stars). 3 submissions from 3 submitters: Pathogenic (1); Likely pathogenic (2). Last evaluated 2024-06-16.

Conditions:
Microcephalic osteodysplastic primordial dwarfism type II (MOPD2). Also called: Microcephalic osteodysplastic primordial dwarfism with tooth abnormalities; MOPD II; OSTEODYSPLASTIC PRIMORDIAL DWARFISM, TYPE II. Identifiers: Orphanet 2637, MedGen C0432246, MONDO:0008872, OMIM 210720.

Submissions (3):

Genomics, Clalit Research Institute, Clalit Health Care
Classification: Likely pathogenic for Microcephalic osteodysplastic primordial dwarfism type II. Last evaluated: 2024-06-16. Review status: criteria provided, single submitter. Criteria: ACMG Guidelines, 2015. Collection method: clinical testing. Allele origin: germline. Inheritance: Autosomal recessive inheritance. Affected: yes. Observed: 1 heterozygote.
Comment: Frequency: The variant is rare, observed in 1 alleles out of 250,104 (0%) in the gnomAD reference population dataset. Variant type: Null variant (frameshift indel) in a gene where loss of function is a known mechanism of disease. Predicted to undergo NMD. Clinical evidence: This variant has previously been described in ClinVar (VCV2975389) with the following classifications: P (1). PVS1,PM2_supporting

Fulgent Genetics
Classification: Likely pathogenic for Microcephalic osteodysplastic primordial dwarfism type II. Last evaluated: 2024-04-16. Review status: criteria provided, single submitter. Criteria: ACMG Guidelines, 2015. Collection method: clinical testing. Allele origin: germline.

Labcorp Genetics (formerly Invitae), Labcorp
Classification: Pathogenic. Last evaluated: 2023-04-16. Review status: criteria provided, single submitter. Criteria: Invitae Variant Classification Sherloc (09022015). Collection method: clinical testing. Allele origin: germline.
Comment: This sequence change creates a premature translational stop signal (p.Ser2894Profs*24) in the PCNT gene. It is expected to result in an absent or disrupted protein product. Loss-of-function variants in PCNT are known to be pathogenic (PMID: 18174396, 22821869). For these reasons, this variant has been classified as Pathogenic. This variant has not been reported in the literature in individuals affected with PCNT-related conditions. This variant is present in population databases (no rsID available, gnomAD 0.0009%).

Literature cited by the submitters: PubMed 18174396 (cited by Labcorp Genetics (formerly Invitae), Labcorp); PubMed 22821869 (cited by Labcorp Genetics (formerly Invitae), Labcorp).

NM_006031.6(PCNT):c.8680_8689del (p.Ser2894fs)

Gene: PCNT (pericentrin; plus strand). Cytogenetic location: 21q22.3.
Variant type: Deletion.
Coding change: c.8680_8689del on transcript NM_006031.6 (MANE Select); coding-DNA positions 8680 to 8689, 10 bases deleted (AGCGCGGAGG; older notation c.8680_8689delAGCGCGGAGG).
Protein change: p.Ser2894fs; shifts the reading frame from serine 2894.
Molecular consequence: frameshift variant. On other transcripts: intron variant (1).
Genome position (GRCh38, 1-based): chr21:46,432,144-46,432,153, AGCGCGGAGG deleted; deleting any 10 consecutive bases within chr21:46,432,139-46,432,153 gives the same sequence; the c. name uses the placement nearest the transcript's 3' end. VCF-style (leftmost placement, unchanged base first): chr21-46432138-AGGAGGAGCGC-A. GRCh37 (hg19) VCF-style: chr21-47852052-AGGAGGAGCGC-A.
Other names: c.8160+166_8160+175del (NM_001315529.2); short protein forms S2894fs.
Identifiers: ClinVar variation 2975389 (VCV002975389.4), dbSNP rs1289448496, ClinGen allele CA638499866.